The following is an entry in ClinVar:

NM_018489.3(ASH1L):c.253T>A (p.Leu85Ile)

Gene: ASH1L (ASH1 like histone lysine methyltransferase; minus strand). Cytogenetic location: 1q22.
Variant type: single nucleotide variant.
Coding change: c.253T>A on transcript NM_018489.3 (MANE Select); coding-DNA position 253, T replaced by A.
Protein change: p.Leu85Ile; replaces leucine 85 with isoleucine.
Molecular consequence: missense variant.
Genome position (GRCh38, 1-based): chr1:155,521,267, A>T on the plus strand (T>A on the coding strand, the complement: ASH1L is on the minus strand). VCF-style: chr1-155521267-A-T. GRCh37 (hg19) VCF-style: chr1-155491058-A-T.
Other names: c.253T>A, p.Leu85Ile (NM_001366177.2); short protein forms L85I.
Identifiers: ClinVar variation 1708772 (VCV001708772.2), dbSNP rs2524741504, ClinGen allele CA342714554.
Genomic context (GRCh38, chr1:155,521,267, plus strand): 5'-TCTCCAAGTTCTTTGGAGGTTTTTTAGTTCTCTTAGCCTGGAGGCCAATTTTCAATTTTA[A>T]ATTTCCCTCTGAAAAGTTTGTTTCTTTCACTGAAAACTGTTGCTGTGCATCAGTCAAACC-3'
Protein context (NP_060959.2, residues 75-95): VKETNFSEGN[Leu85Ile]KLKIGLQAKR

ClinVar aggregate classification (germline): Uncertain significance (1 of 4 stars; one submission).

Submission:

GeneDx
Classification: Uncertain significance. Last evaluated: 2022-04-08. Review status: criteria provided, single submitter. Criteria: GeneDx Variant Classification Process June 2021. Collection method: clinical testing. Allele origin: germline. Affected: yes.
Comment: Not observed at significant frequency in large population cohorts (gnomAD); In silico analysis supports that this missense variant does not alter protein structure/function; Has not been previously published as pathogenic or benign to our knowledge